The following is an entry in ClinVar:

ClinVar aggregate classification (germline): Pathogenic (1 of 4 stars; one submission).

Conditions:
Alstrom syndrome (ALMS). Identifiers: Orphanet 64, MedGen C0268425, MONDO:0008763, OMIM 203800.

Submission:

Labcorp Genetics (formerly Invitae), Labcorp
Classification: Pathogenic for Alstrom syndrome. Last evaluated: 2022-07-26. Review status: criteria provided, single submitter. Criteria: Invitae Variant Classification Sherloc (09022015). Collection method: clinical testing. Allele origin: germline.
Comment: This sequence change creates a premature translational stop signal (p.Ser291Argfs*12) in the ALMS1 gene. It is expected to result in an absent or disrupted protein product. Loss-of-function variants in ALMS1 are known to be pathogenic (PMID: 17594715). This variant is not present in population databases (gnomAD no frequency). This variant has not been reported in the literature in individuals affected with ALMS1-related conditions. ClinVar contains an entry for this variant (Variation ID: 1071197). For these reasons, this variant has been classified as Pathogenic.

Literature cited by the submitters: PubMed 17594715.

NM_001378454.1(ALMS1):c.870del (p.Ser290fs)

Gene: ALMS1 (ALMS1 centrosome and basal body associated protein; plus strand). Cytogenetic location: 2p13.1.
Variant type: Deletion.
Coding change: c.870del on transcript NM_001378454.1 (MANE Select); coding-DNA position 870, one base deleted (C; older notation c.870delC).
Protein change: p.Ser290fs; shifts the reading frame from serine 290.
Molecular consequence: frameshift variant.
Genome position (GRCh38, 1-based): chr2:73,424,535, C deleted. VCF-style (leftmost placement, unchanged base first): chr2-73424534-GC-G. GRCh37 (hg19) VCF-style: chr2-73651662-GC-G.
Other names: c.873del, p.Ser291fs (NM_015120.4); short protein forms S290fs, S291fs.
Identifiers: ClinVar variation 1071197 (VCV001071197.7), dbSNP rs2103714765, ClinGen allele CA2499216235.
Genomic context (GRCh38, chr2:73,424,534, plus strand): 5'-CATCGGAAGTTAGTGAAGCTTTATTCCAGGCTACTGCAGAAGTAGCTTCAGACTTAGCAA[GC>G]AGTCGCTTTAGTGTATCTCAGCACCCGCTTATAGGCAGCACAGCTGTTGGGTCTCAGTGC-3'